The following is an entry in ClinVar:

NM_007327.4(GRIN1):c.570G>A (p.Lys190=)

Gene: GRIN1 (glutamate ionotropic receptor NMDA type subunit 1; plus strand). Cytogenetic location: 9q34.3.
Variant type: single nucleotide variant.
Coding change: c.570G>A on transcript NM_007327.4 (MANE Select); coding-DNA position 570, G replaced by A.
Protein change: p.Lys190=; no amino-acid change (lysine 190 retained).
Molecular consequence: synonymous variant.
Genome position (GRCh38, 1-based): chr9:137,145,902, G>A. VCF-style: chr9-137145902-G-A. GRCh37 (hg19) VCF-style: chr9-140040354-G-A.
Other names: c.570G>A, p.Lys190= (NM_000832.7, NM_001185090.2, NM_001185091.2 and 1 more transcripts).
Identifiers: ClinVar variation 967814 (VCV000967814.5), dbSNP rs201773115, ClinGen allele CA201731586.

ClinVar aggregate classification (germline): Uncertain significance (1 of 4 stars; one submission).

Conditions:
Neurodevelopmental disorder with or without hyperkinetic movements and seizures, autosomal dominant. Also called: Intellectual disability, autosomal dominant 8. Identifiers: MedGen C3280282, MONDO:0013655, OMIM 614254.

Allele frequency attached by ClinVar (database versions not stated): gnomAD exomes below 0.00001; gnomAD 0.00001.
gnomAD v4.1: 3 of 1,596,580 alleles (0.00019%); highest among the groups gnomAD compares: East Asian, 0.0023%; no homozygotes.

Submission:

Labcorp Genetics (formerly Invitae), Labcorp
Classification: Uncertain significance for Neurodevelopmental disorder with or without hyperkinetic movements and seizures, autosomal dominant. Last evaluated: 2024-12-18. Review status: criteria provided, single submitter. Criteria: Invitae Variant Classification Sherloc (09022015). Collection method: clinical testing. Allele origin: germline.
Comment: This sequence change affects codon 190 of the GRIN1 mRNA. It is a 'silent' change, meaning that it does not change the encoded amino acid sequence of the GRIN1 protein. This variant also falls at the last nucleotide of exon 3, which is part of the consensus splice site for this exon. This variant is present in population databases (rs201773115, gnomAD 0.06%). This variant has not been reported in the literature in individuals affected with GRIN1-related conditions. ClinVar contains an entry for this variant (Variation ID: 967814). Variants that disrupt the consensus splice site are a relatively common cause of aberrant splicing (PMID: 17576681, 9536098). Algorithms developed to predict the effect of sequence changes on RNA splicing suggest that this variant may disrupt the consensus splice site. In summary, the available evidence is currently insufficient to determine the role of this variant in disease. Therefore, it has been classified as a Variant of Uncertain Significance.

Literature cited by the submitters: PubMed 17576681; PubMed 9536098.